The following is an entry in ClinVar:

ClinVar aggregate classification (germline): Benign/Likely benign. Review status: criteria provided, multiple submitters, no conflicts (2 of 4 stars). 6 submissions from 6 submitters: Benign (1); Likely benign (5). Last evaluated 2025-12-23.

Conditions:
Hereditary nonpolyposis colorectal neoplasms. Identifiers: MedGen C0009405, MeSH D003123.
Mismatch repair cancer syndrome 4. Identifiers: MedGen C5436817, MONDO:0030843, OMIM 619101.
Hereditary cancer-predisposing syndrome. Also called: Tumor predisposition; Hereditary Cancer Syndrome; Hereditary neoplastic syndrome; Neoplastic Syndromes, Hereditary. Identifiers: Orphanet 140162, MedGen C0027672, MeSH D009386, MONDO:0015356.
Lynch syndrome. Identifiers: Orphanet 144, MedGen C4552100, MONDO:0005835. Disease mechanism: loss of function.
Lynch syndrome 4 (LYNCH4). Also called: Colorectal cancer, hereditary nonpolyposis, type 4; Hereditary non-polyposis colorectal cancer, type 4. Identifiers: Orphanet 144, MedGen C1838333, MONDO:0013699, OMIM 614337. Disease mechanism: loss of function.

Allele frequency attached by ClinVar (database versions not stated): gnomAD 0.00001; gnomAD exomes 0.00001.
gnomAD v4.1: 9 of 1,553,604 alleles (0.00058%); highest among the groups gnomAD compares: Middle Eastern, 0.017%; no homozygotes.

Submissions (6):

Labcorp Genetics (formerly Invitae), Labcorp
Classification: Likely benign for Hereditary nonpolyposis colorectal neoplasms. Last evaluated: 2025-12-23. Review status: criteria provided, single submitter. Criteria: Invitae Variant Classification Sherloc (09022015). Collection method: clinical testing. Allele origin: germline.

Myriad Genetics, Inc.
Classification: Likely benign for Lynch syndrome 4. Last evaluated: 2025-01-24. Review status: criteria provided, single submitter. Criteria: Myriad Autosomal Dominant, Autosomal Recessive and X-Linked Classification Criteria (2023). Collection method: clinical testing. Allele origin: unknown.
Comment: This variant is considered likely benign. This variant is intronic and is not expected to impact mRNA splicing.

All of Us Research Program, National Institutes of Health
Classification: Likely benign for Lynch syndrome. Last evaluated: 2024-02-05. Review status: criteria provided, single submitter. Criteria: ACMG Guidelines, 2015. Collection method: clinical testing. Allele origin: germline. Inheritance: Autosomal dominant inheritance. Observed: 2 variant alleles, 2 heterozygotes.
Comment: This study involves interpretation of variants in research participants for the purpose of population health screening. Participant phenotype was not available at the time of variant classification. Additional details can be found in publication PMID: 35346344, PMCID: PMC8962531

Department of Pathology and Laboratory Medicine, Sinai Health System
Classification: Likely benign for Mismatch repair cancer syndrome 4. Last evaluated: 2020-02-10. Review status: criteria provided, single submitter. Criteria: ACMG Guidelines, 2015. Collection method: clinical testing. Allele origin: germline. Affected: yes.

Color Diagnostics, LLC DBA Color Health
Classification: Likely benign for Hereditary cancer-predisposing syndrome. Last evaluated: 2017-04-27. Review status: criteria provided, single submitter. Criteria: ACMG Guidelines, 2015. Collection method: clinical testing. Allele origin: germline.

GeneDx
Classification: Benign. Last evaluated: 2014-09-26. Review status: criteria provided, single submitter. Criteria: GeneDx Variant Classification (06012015). Collection method: clinical testing. Allele origin: germline. Affected: yes.
Comment: This variant is considered likely benign or benign based on one or more of the following criteria: it is a conservative change, it occurs at a poorly conserved position in the protein, it is predicted to be benign by multiple in silico algorithms, and/or has population frequency not consistent with disease.

NM_000535.7(PMS2):c.251-12A>C

Gene: PMS2 (PMS1 homolog 2, mismatch repair system component; minus strand). Cytogenetic location: 7p22.1.
Variant type: single nucleotide variant.
Coding change: c.251-12A>C on transcript NM_000535.7 (MANE Select); 12 bases into the intron before coding-DNA position 251, A replaced by C.
Molecular consequence: intron variant.
Genome position (GRCh38, 1-based): chr7:6,003,804, T>G on the plus strand (A>C on the coding strand, the complement: PMS2 is on the minus strand). VCF-style: chr7-6003804-T-G. GRCh37 (hg19) VCF-style: chr7-6043435-T-G.
Other names: c.35+168A>C (NM_001322008.2, NM_001322007.2); c.-155-12A>C (NM_001322010.2, NM_001322004.2, NM_001322013.2 and 3 more transcripts); c.-634-12A>C (NM_001322012.2, NM_001322011.2); c.-234-12A>C (NM_001322015.2); c.251-12A>C (NM_001322006.2, NM_001322014.2).
Identifiers: ClinVar variation 182815 (VCV000182815.14), dbSNP rs562762722, ClinGen allele CA011609.